The following is an entry in ClinVar:

NM_152618.3(BBS12):c.1487G>C (p.Gly496Ala)

Gene: BBS12 (Bardet-Biedl syndrome 12; plus strand). Cytogenetic location: 4q27.
Variant type: single nucleotide variant.
Coding change: c.1487G>C on transcript NM_152618.3 (MANE Select); coding-DNA position 1487, G replaced by C.
Protein change: p.Gly496Ala; replaces glycine 496 with alanine.
Molecular consequence: missense variant.
Genome position (GRCh38, 1-based): chr4:122,743,379, G>C. VCF-style: chr4-122743379-G-C. GRCh37 (hg19) VCF-style: chr4-123664534-G-C.
Other names: c.1487G>C, p.Gly496Ala (NM_001178007.2); short protein forms G496A.
Identifiers: ClinVar variation 2030233 (VCV002030233.3), dbSNP rs764246970, ClinGen allele CA3069459.

ClinVar aggregate classification (germline): Uncertain significance (1 of 4 stars; one submission).

Conditions:
Bardet-Biedl syndrome (BBS). Identifiers: Orphanet 110, MedGen C0752166, MONDO:0015229.

Allele frequency attached by ClinVar (database versions not stated): gnomAD exomes 0.00001; ExAC 0.00002.
gnomAD v4.1: 10 of 1,614,132 alleles (0.00062%); highest among the groups gnomAD compares: South Asian, 0.011%; no homozygotes.

Submission:

Labcorp Genetics (formerly Invitae), Labcorp
Classification: Uncertain significance for Bardet-Biedl syndrome. Last evaluated: 2025-01-15. Review status: criteria provided, single submitter. Criteria: Invitae Variant Classification Sherloc (09022015). Collection method: clinical testing. Allele origin: germline.
Comment: This sequence change replaces glycine, which is neutral and non-polar, with alanine, which is neutral and non-polar, at codon 496 of the BBS12 protein (p.Gly496Ala). This variant is present in population databases (rs764246970, gnomAD 0.02%). This variant has not been reported in the literature in individuals affected with BBS12-related conditions. ClinVar contains an entry for this variant (Variation ID: 2030233). Invitae Evidence Modeling of protein sequence and biophysical properties (such as structural, functional, and spatial information, amino acid conservation, physicochemical variation, residue mobility, and thermodynamic stability) indicates that this missense variant is expected to disrupt BBS12 protein function with a positive predictive value of 80%. In summary, the available evidence is currently insufficient to determine the role of this variant in disease. Therefore, it has been classified as a Variant of Uncertain Significance.